The following is an entry in ClinVar:

ClinVar aggregate classification (germline): Conflicting classifications of pathogenicity. Review status: criteria provided, conflicting classifications (1 of 4 stars). 2 submissions from 2 submitters: Uncertain significance (1); Likely benign (1). Last evaluated 2026-04-08.

Conditions:
PKD1-related disorder. Also called: PKD1-related condition.
Polycystic kidney disease, adult type (PKD1). Also called: Polycystic Kidney Disease 1, Autosomal Dominant; Polycystic kidney disease 1; Polycystic kidney disease 1, severe; POLYCYSTIC KIDNEY DISEASE 1 WITH OR WITHOUT POLYCYSTIC LIVER DISEASE; Polycystic Kidney, Autosomal Dominant; POLYCYSTIC KIDNEY DISEASE, ADULT, TYPE I. Identifiers: MedGen C3149841, MONDO:0008263, OMIM 173900.

gnomAD v4.1: 18 of 1,609,202 alleles (0.0011%); highest among the groups gnomAD compares: East Asian, 0.011%; no homozygotes.

Submissions (2):

PreventionGenetics, part of Exact Sciences
Classification: Likely benign for PKD1-related condition. Last evaluated: 2026-04-08. Review status: criteria provided, single submitter. Criteria: ACMG Guidelines, 2015. Collection method: clinical testing. Allele origin: germline.
Comment: This variant is classified as likely benign based on ACMG/AMP sequence variant interpretation guidelines (Richards et al. 2015 PMID: 25741868, with internal and published modifications).

Department of Pathology and Laboratory Medicine, Sinai Health System
Classification: Uncertain significance for Polycystic kidney disease, adult type. Last evaluated: 2022-06-15. Review status: criteria provided, single submitter. Criteria: ACMG Guidelines, 2015. Collection method: clinical testing. Allele origin: germline. Affected: yes.

NM_001009944.3(PKD1):c.7491C>T (p.Gly2497=)

Gene: PKD1 (polycystin 1, transient receptor potential channel interacting; minus strand). Cytogenetic location: 16p13.3.
Variant type: single nucleotide variant.
Coding change: c.7491C>T on transcript NM_001009944.3 (MANE Select); coding-DNA position 7491, C replaced by T.
Protein change: p.Gly2497=; no amino-acid change (glycine 2497 retained).
Molecular consequence: synonymous variant.
Genome position (GRCh38, 1-based): chr16:2,106,303, G>A on the plus strand (C>T on the coding strand, the complement: PKD1 is on the minus strand). VCF-style: chr16-2106303-G-A. GRCh37 (hg19) VCF-style: chr16-2156304-G-A.
Other names: c.7491C>T, p.Gly2497= (NM_000296.4).
Identifiers: ClinVar variation 3780298 (VCV003780298.2).